The following is an entry in ClinVar:

NM_000059.4(BRCA2):c.9159G>T (p.Glu3053Asp)

Gene: BRCA2 (BRCA2 DNA repair associated; plus strand). Cytogenetic location: 13q13.1.
Variant type: single nucleotide variant.
Coding change: c.9159G>T on transcript NM_000059.4 (MANE Select); coding-DNA position 9159, G replaced by T.
Protein change: p.Glu3053Asp; replaces glutamic acid 3053 with aspartic acid.
Molecular consequence: missense variant.
Genome position (GRCh38, 1-based): chr13:32,380,048, G>T. VCF-style: chr13-32380048-G-T. GRCh37 (hg19) VCF-style: chr13-32954185-G-T.
Other names: short protein forms E3053D.
Identifiers: ClinVar variation 567008 (VCV000567008.11), dbSNP rs1289660997, ClinGen allele CA387757955.
Genomic context (GRCh38, chr13:32,380,048, plus strand): 5'-TTTGTTTTGTTTTCTGTAGGTTTCAGATGAAATTTTATTTCAGATTTACCAGCCACGGGA[G>T]CCCCTTCACTTCAGCAAATTTTTAGATCCAGACTTTCAGCCATCTTGTTCTGAGGTGGAC-3'
Protein context (NP_000050.3, residues 3043-3063): EILFQIYQPR[Glu3053Asp]PLHFSKFLDP

ClinVar aggregate classification (germline): Uncertain significance (1 of 4 stars; one submission).

Conditions:
Hereditary breast ovarian cancer syndrome. Also called: Hereditary breast and ovarian cancer syndrome (HBOC); Hereditary breast and ovarian cancer; Hereditary breast and/or ovarian cancer syndrome; Hereditary breast and ovarian cancer syndrome; Breast and ovarian cancer; BRCA1- and BRCA2-Associated Hereditary Breast and Ovarian Cancer. Identifiers: Orphanet 145, MedGen C0677776, MeSH D061325, MONDO:0003582. Disease mechanism: loss of function.

Submission:

Labcorp Genetics (formerly Invitae), Labcorp
Classification: Uncertain significance for Hereditary breast ovarian cancer syndrome. Last evaluated: 2024-05-28. Review status: criteria provided, single submitter. Criteria: Invitae Variant Classification Sherloc (09022015). Collection method: clinical testing. Allele origin: germline.
Comment: This sequence change replaces glutamic acid, which is acidic and polar, with aspartic acid, which is acidic and polar, at codon 3053 of the BRCA2 protein (p.Glu3053Asp). This variant is not present in population databases (gnomAD no frequency). This variant has not been reported in the literature in individuals affected with BRCA2-related conditions. ClinVar contains an entry for this variant (Variation ID: 567008). Advanced modeling of protein sequence and biophysical properties (such as structural, functional, and spatial information, amino acid conservation, physicochemical variation, residue mobility, and thermodynamic stability) performed at Invitae indicates that this missense variant is not expected to disrupt BRCA2 protein function with a negative predictive value of 95%. In summary, the available evidence is currently insufficient to determine the role of this variant in disease. Therefore, it has been classified as a Variant of Uncertain Significance.